The following is an entry in ClinVar:

NM_024580.6(EFL1):c.2902G>T (p.Ala968Ser)

Gene: EFL1 (elongation factor like GTPase 1; minus strand). Cytogenetic location: 15q25.2.
Variant type: single nucleotide variant.
Coding change: c.2902G>T on transcript NM_024580.6 (MANE Select); coding-DNA position 2902, G replaced by T.
Protein change: p.Ala968Ser; replaces alanine 968 with serine.
Molecular consequence: missense variant. On other transcripts: non-coding transcript variant (1).
Genome position (GRCh38, 1-based): chr15:82,151,552, C>A on the plus strand (G>T on the coding strand, the complement: EFL1 is on the minus strand). VCF-style: chr15-82151552-C-A. GRCh37 (hg19) VCF-style: chr15-82443893-C-A.
Other names: c.2749G>T, p.Ala917Ser (NM_001040610.3); c.2113G>T, p.Ala705Ser (NM_001322844.2); c.2902G>T, p.Ala968Ser (NM_001322845.2); short protein forms A705S, A917S, A968S.
Identifiers: ClinVar variation 1301780 (VCV001301780.2), dbSNP rs377682013, ClinGen allele CA393285903.

ClinVar aggregate classification (germline): Uncertain significance (1 of 4 stars; one submission).

Submission:

Dubai Health Genomic Medicine Center, Dubai Health
Classification: Uncertain significance. Last evaluated: 2020-06-25. Review status: criteria provided, single submitter. Criteria: ACMG Guidelines, 2015. Collection method: clinical testing. Allele origin: germline. Affected: yes.
Comment: The p.Ala968Ser missense variant in EFL1 has not been previously reported in individuals with disease and was absent from large population studies such as the Genome Aggregation Database (gnomAD) and the Greater Middle East (GME) Variome Database. Computational prediction tools and conservation analyses suggest an impact to protein function though this information is not predictive enough to confirm pathogenicity. In summary additional information is needed to fully assess the clinical significance of this variant.